The following is an entry in ClinVar:

NM_001292063.2(OTOG):c.7894+85G>A

Gene: OTOG (otogelin; plus strand). Cytogenetic location: 11p15.1.
Variant type: single nucleotide variant.
Coding change: c.7894+85G>A on transcript NM_001292063.2 (MANE Select); 85 bases into the intron after coding-DNA position 7894, G replaced by A.
Molecular consequence: intron variant.
Genome position (GRCh38, 1-based): chr11:17,638,634, G>A. VCF-style: chr11-17638634-G-A. GRCh37 (hg19) VCF-style: chr11-17660181-G-A.
Other names: c.7930+85G>A (NM_001277269.2).
Identifiers: ClinVar variation 682672 (VCV000682672.2), dbSNP rs12290375, ClinGen allele CA13555185.

ClinVar aggregate classification (germline): Benign. Review status: criteria provided, multiple submitters, no conflicts (2 of 4 stars). 2 submissions from 2 submitters: Benign (2). Last evaluated 2018-06-14.

Allele frequency attached by ClinVar (database versions not stated): 1000 Genomes Project 0.06989; 1000 Genomes Project 30x 0.07027; TOPMed 0.11061; gnomAD 0.11116.
gnomAD v4.1: 229,538 of 1,486,938 alleles (15%); highest among the groups gnomAD compares: Non-Finnish European, 18%; 19,708 homozygotes.

Submissions (2):

GeneDx
Classification: Benign. Last evaluated: 2018-06-14. Review status: criteria provided, single submitter. Criteria: GeneDx Variant Classification (06012015). Collection method: clinical testing. Allele origin: germline. Affected: yes.
Comment: This variant is considered likely benign or benign based on one or more of the following criteria: it is a conservative change, it occurs at a poorly conserved position in the protein, it is predicted to be benign by multiple in silico algorithms, and/or has population frequency not consistent with disease.

Breakthrough Genomics
Classification: Benign. Review status: criteria provided, single submitter. Criteria: ACMG Guidelines, 2015. Collection method: not provided. Allele origin: germline. Inheritance: Autosomal recessive inheritance. Affected: yes.